The following is an entry in ClinVar:

NM_006236.3(POU3F3):c.1494C>G (p.Ser498Arg)

Gene: POU3F3 (POU class 3 homeobox 3; plus strand). Cytogenetic location: 2q12.1.
Variant type: single nucleotide variant.
Coding change: c.1494C>G on transcript NM_006236.3 (MANE Select); coding-DNA position 1494, C replaced by G.
Protein change: p.Ser498Arg; replaces serine 498 with arginine.
Molecular consequence: missense variant.
Genome position (GRCh38, 1-based): chr2:104,857,004, C>G. VCF-style: chr2-104857004-C-G. GRCh37 (hg19) VCF-style: chr2-105473462-C-G.
Other names: short protein forms S498R.
Identifiers: ClinVar variation 2651223 (VCV002651223.24), dbSNP rs1271198416, ClinGen allele CA348099088.

ClinVar aggregate classification (germline): Uncertain significance (1 of 4 stars; one submission).

Allele frequency attached by ClinVar (database versions not stated): gnomAD exomes below 0.00001.

Submission:

CeGaT Center for Human Genetics Tuebingen
Classification: Uncertain significance. Last evaluated: 2023-10-01. Review status: criteria provided, single submitter. Criteria: CeGaT Center For Human Genetics Tuebingen Variant Classification Criteria Version 2. Collection method: clinical testing. Allele origin: germline. Affected: yes. Observed: 1 variant allele.
Comment: POU3F3: PM2